The following is an entry in ClinVar:

NM_145239.3(PRRT2):c.1012+62A>T

Genes: MVP-DT (MVP divergent transcript; minus strand), PRRT2 (proline rich transmembrane protein 2; plus strand). Cytogenetic location: 16p11.2.
Variant type: single nucleotide variant.
Coding change: c.1012+62A>T on transcript NM_145239.3 (MANE Select); 62 bases into the intron after coding-DNA position 1012, A replaced by T.
Molecular consequence: intron variant. On other transcripts: synonymous variant (1), 3 prime UTR variant (1).
Genome position (GRCh38, 1-based): chr16:29,814,527, A>T. VCF-style: chr16-29814527-A-T. GRCh37 (hg19) VCF-style: chr16-29825848-A-T.
Other names: c.1074A>T, p.Leu358= (NM_001256442.2); c.*573A>T (NM_001256443.2).
Identifiers: ClinVar variation 2578762 (VCV002578762.25), dbSNP rs2543339829, ClinGen allele CA494583478.

ClinVar aggregate classification (germline): Likely benign (1 of 4 stars; one submission).

Submission:

CeGaT Center for Human Genetics Tuebingen
Classification: Likely benign. Last evaluated: 2023-07-01. Review status: criteria provided, single submitter. Criteria: CeGaT Center For Human Genetics Tuebingen Variant Classification Criteria Version 2. Collection method: clinical testing. Allele origin: germline. Affected: yes. Observed: 1 variant allele.
Comment: PRRT2: PM2:Supporting, BP4, BP7